The following is an entry in ClinVar:

NM_001378964.1(CDON):c.3318_3325del (p.Leu1106_Glu1107insTer)

Gene: CDON (cell adhesion associated, oncogene regulated; minus strand). Cytogenetic location: 11q24.2.
Variant type: Deletion.
Coding change: c.3318_3325del on transcript NM_001378964.1 (MANE Select); coding-DNA positions 3318 to 3325, 8 bases deleted (GGAGTGTG; older notation c.3318_3325delGGAGTGTG).
Protein change: p.Leu1106_Glu1107insTer.
Molecular consequence: frameshift variant. On other transcripts: nonsense (3).
Genome position (GRCh38, 1-based): chr11:125,978,335-125,978,342, CACACTCC deleted on the plus strand (GGAGTGTG on the coding strand, the reverse complement: CDON is on the minus strand). VCF-style (leftmost placement, unchanged base first): chr11-125978334-ACACACTCC-A. GRCh37 (hg19) VCF-style: chr11-125848229-ACACACTCC-A.
Other names: c.3318_3325delGGAGTGTG, p.Glu1107Terfs (NM_001243597.3, NM_016952.4, NM_016952.6).
Identifiers: ClinVar variation 1925419 (VCV001925419.6), dbSNP rs1309689806, ClinGen allele CA673035368.

ClinVar aggregate classification (germline): Uncertain significance. Review status: criteria provided, multiple submitters, no conflicts (2 of 4 stars). 2 submissions from 2 submitters: Uncertain significance (2). Last evaluated 2022-11-15.

Conditions:
Holoprosencephaly 11 (HPE11). Identifiers: Orphanet 2162, MedGen C3280215, MONDO:0013642, OMIM 614226.

Allele frequency attached by ClinVar (database versions not stated): gnomAD exomes below 0.00001; TOPMed 0.00002.

Submissions (2):

Labcorp Genetics (formerly Invitae), Labcorp
Classification: Uncertain significance for Holoprosencephaly 11. Last evaluated: 2022-11-15. Review status: criteria provided, single submitter. Criteria: Invitae Variant Classification Sherloc (09022015). Collection method: clinical testing. Allele origin: germline.
Comment: In summary, the available evidence is currently insufficient to determine the role of this variant in disease. Therefore, it has been classified as a Variant of Uncertain Significance. Algorithms developed to predict the effect of sequence changes on RNA splicing suggest that this variant may disrupt the consensus splice site. This variant has not been reported in the literature in individuals affected with CDON-related conditions. This variant is not present in population databases (gnomAD no frequency). This sequence change creates a premature translational stop signal (p.Glu1107*) in the CDON gene. It is expected to result in an absent or disrupted protein product. However, the current clinical and genetic evidence is not sufficient to establish whether loss-of-function variants in CDON cause disease.

GeneDx
Classification: Uncertain significance. Last evaluated: 2022-09-08. Review status: criteria provided, single submitter. Criteria: GeneDx Variant Classification Process June 2021. Collection method: clinical testing. Allele origin: germline. Affected: yes.
Comment: Not observed at significant frequency in large population cohorts (gnomAD); Nonsense variant predicted to result in protein truncation or nonsense mediated decay in a gene or region of a gene for which loss of function is not a well-established mechanism of disease; Has not been previously published as pathogenic or benign to our knowledge